The following continues an entry in ClinVar:

NM_000552.5(VWF):c.4751A>G (p.Tyr1584Cys)

Gene: VWF. ClinVar aggregate classification (germline): Conflicting classifications of pathogenicity; risk factor. Pathogenic (7); Likely pathogenic (14); Uncertain significance (7).

Submissions 6 to 17 of 38:

ARUP Laboratories, Molecular Genetics and Genomics, ARUP Laboratories
Classification: Likely pathogenic. Last evaluated: 2025-07-03. Review status: criteria provided, single submitter. Criteria: ARUP Molecular Germline Variant Investigation Process 2024. Collection method: clinical testing. Allele origin: germline.
Comment: The VWF c.4751A>G; p.Tyr1584Cys variant (rs1800386) has been described in numerous individuals and families affected with von Willebrand disease type I (Bowen 2004, James 2007, Oâ€™Brien 2003). While this variant segregates with disease in multiple families, it also exhibits incomplete penetrance and a milder phenotype (Bowen 2005, Oâ€™Brien 2003). This variant is reported in ClinVar (Variation ID: 310), and is found in the general population with an overall allele frequency of 0.26% (743/282486 alleles, 4 homozygotes) in the Genome Aggregation Database. Computational analyses are uncertain whether this variant is neutral or deleterious (REVEL: 0.639). Functional studies indicate that this variant protein results in decreased protein synthesis and increased cellular retention in vitro, with increased susceptibility of VWF proteolysis in vivo (Bowen 2005, Oâ€™Brien 2003, Pruss 2011). Correlative studies further suggest that in individuals carrying this variant, VWF:Ag levels are lowest in those with blood group O (Davies 2007). Based on available information, the p.Tyr1584Cys variant is considered to be likely pathogenic. REFERENCES Bowen D et al. An amino acid polymorphism in von Willebrand factor correlates with increased susceptibility to proteolysis by ADAMTS13. Blood. 2004 Feb 1;103(3):941-7. PMID: 14525793. Bowen D et al. The prevalence of the cysteine1584 variant of von Willebrand factor is increased in type 1 von Willebrand disease: co-segregation with increased susceptibility to ADAMTS13 proteolysis but not clinical phenotype. Br J Haematol. 2005 Mar;128(6):830-6. PMID: 15755288. Davies JA et al. Effect of von Willebrand factor Y/C1584 on in vivo protein level and function and interaction with ABO blood group. Blood. 2007;109(7):2840-2846. PMID: 17119126. James P et al. The mutational spectrum of type 1 von Willebrand disease: Results from a Canadian cohort study. Blood. 2007 Jan 1;109(1):145-54. PMID: 17190853. O'Brien L et al. Founder von Willebrand factor haplotype associated with type 1 von Willebrand disease. Blood. 2003 Jul 15;102(2):549-57. PMID: 12649144. Pruss C et al. Pathologic mechanisms of type 1 VWD mutations R1205H and Y1584C through in vitro and in vivo mouse models. Blood. 2011 Apr 21;117(16):4358-66. PMID: 21346256.

Clinical Genetics Laboratory, University Hospital Schleswig-Holstein
Classification: Likely pathogenic for von Willebrand disease type 1. Last evaluated: 2025-03-21. Review status: criteria provided, single submitter. Criteria: ACMG Guidelines, 2015. Collection method: clinical testing. Allele origin: paternal. Affected: yes. Observed: 1 heterozygote.
Comment: ACMG criteria applied: PS4, PP3, PM1, PS3, PP1

GeneDx
Classification: Uncertain significance. Last evaluated: 2025-03-19. Review status: criteria provided, single submitter. Criteria: GeneDx Variant Classification Process June 2021. Collection method: clinical testing. Allele origin: germline. Affected: yes.
Comment: Reported frequently with type 1 von Willebrand disease, but noted to have incomplete penetrance and variable expressivity (PMID: 17190853, 12649144, 27596108, 38040335); Several studies have suggested that this variant is seen with increased frequency in individuals with von Willebrand disease or with a bleeding history as compared to controls (PMID: 38040335, 28091443); Described as a susceptibility variant, increasing the risk to develop von Willebrand disease type 1, but not sufficient to make a diagnosis of von Willebrand disease in the absence of clinical features (PMID: 15755288); In silico analysis supports that this missense variant does not alter protein structure/function; This variant is associated with the following publications: (PMID: 15842375, 19506354, 27920237, 23355534, 21346256, 14525793, 23426949, 12649144, 17610557, 16985174, 16634747, 28091443, 27596108, 26988807, 27380589, 30722078, 34426522, 33113216, 36696193, 36703223, 35753512, 34828413, 34708896, 37845247, 35552711, 37466676, 31064749, 33556167, 33477601, 30817071, 35505650, 17080221, 22197721, 22995991, 36754679, 38040335, 17190853, 15755288)

Center for Genomic Medicine, Rigshospitalet, Copenhagen University Hospital
Classification: Likely pathogenic. Last evaluated: 2025-03-04. Review status: criteria provided, single submitter. Criteria: ACMG Guidelines, 2015. Collection method: clinical testing. Allele origin: germline.

CeGaT Center for Human Genetics Tuebingen
Classification: Uncertain significance. Last evaluated: 2025-03-01. Review status: criteria provided, single submitter. Criteria: CeGaT Center For Human Genetics Tuebingen Variant Classification Criteria Version 2. Collection method: clinical testing. Allele origin: germline. Affected: yes. Observed: 5 variant alleles.
Comment: VWF: PS3:Moderate, PS4:Moderate, PP1

Laboratory of Genetics, Children's Clinical University Hospital Latvia
Classification: Pathogenic. Last evaluated: 2025-02-16. Review status: criteria provided, single submitter. Criteria: ACMG Guidelines, 2015. Collection method: clinical testing. Allele origin: germline. Affected: yes.

Blueprint Genetics
Classification: Uncertain significance. Last evaluated: 2024-11-26. Review status: criteria provided, single submitter. Criteria: ACMG Guidelines, 2015. Collection method: clinical testing. Allele origin: germline.

Victorian Clinical Genetics Services, Murdoch Childrens Research Institute
Classification: Likely pathogenic for von Willebrand disease type 1. Last evaluated: 2024-11-21. Review status: criteria provided, single submitter. Criteria: ACMG Guidelines, 2015. Collection method: clinical testing. Allele origin: germline. Affected: no.
Comment: This variant is classified as Likely pathogenic. Evidence in support of pathogenic classification: Variant is present in gnomAD <0.01 (v4: 5525 heterozygote(s), 15 homozygote(s)); This variant has strong previous evidence of pathogenicity in unrelated individuals. This variant has classified multiple times as pathogenic, likely pathogenic and VUS by clinical laboratories in ClinVar. In the literature, this is a well-reported variant associated with primarily type 1 von Willebrand disease and is thought to confer approximately 70% penetrance in the heterozygous state (PMID: 33807613; 30722078; 29924855; 26988807; 22389132). It has also been reported in one type 2 patient (PMID: 30817071) and one type 3 patient (PMID: 29427305) - This variant has moderate functional evidence supporting abnormal protein function (PMID: 21346256; 12649144). Additional information: Variant is predicted to result in a missense amino acid change from Tyr to Cys; This variant is heterozygous; This gene is associated with both recessive and dominant disease. von Willebrand disease can be both dominantly and recessively inherited, and is categorised into six different types: 1 (MIM#193400), 2A, 2B, 2M, 2N (MIM#613554) and 3 (MIM#277480); An alternative amino acid change at the same position has been observed in gnomAD (v4) (1 heterozygote(s), 0 homozygote(s)); No comparable missense variants have previous evidence for pathogenicity; Variant is located in the annotated VWA domain (DECIPHER); Missense variant with conflicting in silico predictions and uninformative conservation; Dominant negative, gain of function and loss of function are known mechanisms of disease in this gene and are associated with von Willebrand disease (VWD) (OMIM, PMID: 30488424); The condition associated with this gene has incomplete penetrance (PMID: 19372260); Variants in this gene are known to have variable expressivity (PMID: 19372260).

New York Genome Center
Classification: Likely pathogenic for von Willebrand disease type 2; von Willebrand disease type 1. Last evaluated: 2024-10-30. Review status: criteria provided, single submitter. Criteria: NYGC Assertion Criteria 2020. Collection method: clinical testing. Allele origin: inherited. Observed: 1 variant allele, 1 heterozygote.
Comment: The c.4751A>G p.(Tyr1584Cys) variant in VWF has previously been reported in multiple studies and in multiple families with VWD type 1 and is associated with a highly variable but generally mild phenotype with incomplete penetrance reported [PMID:12649144,19506354,15755288,14525793,20409624,16985174,28091443, others]. The c.4751A>G variant has been deposited in ClinVar [ClinVar ID: 310] with conflicting interpretations of pathogenicity including 5 Pathogenic and 7 Likely pathogenic entries, and has been observed in 1314 alleles (0.22% minor allele frequency with 4 homozygotes) in population databases (gnomAD v2.1.1 and v3.1.2, TOPMed Freeze 8). The c.4751A>G in VWF is located in exon 28 of this 52-exon gene and is predicted to replace a moderately conserved tyrosine amino acid with cysteine at position 1584 located within the A2 collagen functional domain of the encoded protein [PMID:20409624,21346256]. This variant is associated with decreased VWF levels, especially in combination with blood group O, with slightly enhanced VWF proteolysis, and there is evidence to support its association with enhanced VWF clearance [PMID:19506354]. Mouse models have shown that the variant protein had decreased plasma levels and resulted in reduced thrombus formation [PMID:21346256]. In silico predictions are in favor of the variant's damaging effect [REVEL = 0.639]. Based on available evidence the inherited c.4751A>G p.(Tyr1584Cys) variant identified in VWF is classified here as Likely Pathogenic.

Dubai Health Genomic Medicine Center, Dubai Health
Classification: Likely pathogenic for von Willebrand disease. Last evaluated: 2024-10-04. Review status: criteria provided, single submitter. Criteria: ACMG Guidelines, 2015. Collection method: research. Allele origin: germline. Affected: yes.
Comment: PM3, PP1, PS3, PP3

Revvity Omics, Revvity
Classification: Uncertain significance. Last evaluated: 2024-08-01. Review status: criteria provided, single submitter. Criteria: ACMG Guidelines, 2015. Collection method: clinical testing. Allele origin: germline.

Mayo Clinic Laboratories, Mayo Clinic
Classification: Uncertain significance. Last evaluated: 2022-11-30. Review status: criteria provided, single submitter. Criteria: ACMG Guidelines, 2015. Collection method: clinical testing. Allele origin: germline. Observed: 10 variant alleles.
Comment: BS4, PP5_moderate, PS3, PS4_moderate